The following is an entry in ClinVar:

ClinVar aggregate classification (germline): Uncertain significance (1 of 4 stars; one submission).

Conditions:
Hereditary cancer-predisposing syndrome. Also called: Hereditary neoplastic syndrome; Tumor predisposition; Hereditary Cancer Syndrome; Neoplastic Syndromes, Hereditary. Identifiers: Orphanet 140162, MedGen C0027672, MeSH D009386, MONDO:0015356.

Submission:

Ambry Genetics
Classification: Uncertain significance for Hereditary cancer-predisposing syndrome. Last evaluated: 2023-06-25. Review status: criteria provided, single submitter. Criteria: Ambry Variant Classification Scheme 2023. Collection method: clinical testing. Allele origin: germline.
Comment: The p.S2557A variant (also known as c.7669T>G), located in coding exon 15 of the APC gene, results from a T to G substitution at nucleotide position 7669. The serine at codon 2557 is replaced by alanine, an amino acid with similar properties. This amino acid position is conserved. In addition, in silico predictors for this gene do not accurately predict pathogenicity. Since supporting evidence is limited at this time, the clinical significance of this alteration remains unclear.

NM_000038.6(APC):c.7669T>G (p.Ser2557Ala)

Gene: APC (APC regulator of Wnt signaling pathway; plus strand). Cytogenetic location: 5q22.2.
Variant type: single nucleotide variant.
Coding change: c.7669T>G on transcript NM_000038.6 (MANE Select); coding-DNA position 7669, T replaced by G.
Protein change: p.Ser2557Ala; replaces serine 2557 with alanine.
Molecular consequence: missense variant. On other transcripts: non-coding transcript variant (2).
Genome position (GRCh38, 1-based): chr5:112,843,263, T>G. VCF-style: chr5-112843263-T-G. GRCh37 (hg19) VCF-style: chr5-112178960-T-G.
Other names: c.6517T>G, p.Ser2173Ala (NM_001407472.1, NM_001407471.1); c.7669T>G, p.Ser2557Ala (NM_001127510.3, NM_001354895.2, NM_001407450.1); c.7615T>G, p.Ser2539Ala (NM_001127511.3); c.7723T>G, p.Ser2575Ala (NM_001354896.2, NM_001407447.1, NM_001407448.1 and 1 more transcripts); c.7699T>G, p.Ser2567Ala (NM_001354897.2); c.7594T>G, p.Ser2532Ala (NM_001354898.2); c.7585T>G, p.Ser2529Ala (NM_001354899.2); c.7546T>G, p.Ser2516Ala (NM_001354900.2); and 11 more; short protein forms S2173A, S2274A, S2397A, S2428A, S2431A, S2466A, S2567A, S2585A.
Identifiers: ClinVar variation 2586992 (VCV002586992.2), dbSNP rs1766538129, ClinGen allele CA16037992.